The following is an entry in ClinVar:

ClinVar aggregate classification (germline): Uncertain significance (1 of 4 stars; one submission).

Conditions:
Hypertrophic cardiomyopathy. Also called: HYPERTROPHIC MYOCARDIOPATHY. Identifiers: Orphanet 217569, MedGen C0007194, MeSH D002312, MONDO:0005045, HP:0001639.

Submission:

Labcorp Genetics (formerly Invitae), Labcorp
Classification: Uncertain significance for Hypertrophic cardiomyopathy. Last evaluated: 2023-11-14. Review status: criteria provided, single submitter. Criteria: Invitae Variant Classification Sherloc (09022015). Collection method: clinical testing. Allele origin: germline.
Comment: This sequence change replaces lysine, which is basic and polar, with arginine, which is basic and polar, at codon 41 of the MYL3 protein (p.Lys41Arg). This variant is not present in population databases (gnomAD no frequency). This variant has not been reported in the literature in individuals affected with MYL3-related conditions. An algorithm developed to predict the effect of missense changes on protein structure and function (PolyPhen-2) suggests that this variant is likely to be tolerated. In summary, the available evidence is currently insufficient to determine the role of this variant in disease. Therefore, it has been classified as a Variant of Uncertain Significance.

NM_000258.3(MYL3):c.122A>G (p.Lys41Arg)

Gene: MYL3 (myosin light chain 3; minus strand). Cytogenetic location: 3p21.31.
Variant type: single nucleotide variant.
Coding change: c.122A>G on transcript NM_000258.3 (MANE Select); coding-DNA position 122, A replaced by G.
Protein change: p.Lys41Arg; replaces lysine 41 with arginine.
Molecular consequence: missense variant.
Genome position (GRCh38, 1-based): chr3:46,863,269, T>C on the plus strand (A>G on the coding strand, the complement: MYL3 is on the minus strand). VCF-style: chr3-46863269-T-C. GRCh37 (hg19) VCF-style: chr3-46904759-T-C.
Other names: c.122A>G, p.Lys41Arg (NM_001406937.1, NM_001406938.1, NM_001406939.1); short protein forms K41R.
Identifiers: ClinVar variation 2995751 (VCV002995751.3), dbSNP rs2544971830, ClinGen allele CA352499481.